The following is an entry in ClinVar:

ClinVar aggregate classification (germline): Benign (1 of 4 stars; one submission).

Conditions:
Interstitial lung disease due to ABCA3 deficiency. Also called: PULMONARY ALVEOLAR PROTEINOSIS, CONGENITAL, 3. Identifiers: Orphanet 440402, MedGen C1970456, MONDO:0012582, OMIM 610921.

Allele frequency attached by ClinVar (database versions not stated): gnomAD exomes 0.00057; gnomAD 0.00359 and 0.00378; TOPMed 0.00386; 1000 Genomes Project 30x 0.00468; 1000 Genomes Project 0.00499.
gnomAD v4.1: 689 of 397,052 alleles (0.17%); highest among the groups gnomAD compares: African/African-American, 1.2%; 4 homozygotes.

Submission:

Illumina Laboratory Services, Illumina
Classification: Benign for Interstitial lung disease due to ABCA3 deficiency. Last evaluated: 2018-01-12. Review status: criteria provided, single submitter. Criteria: ICSL Variant Classification Criteria 13 December 2019. Collection method: clinical testing. Allele origin: germline.
Comment: This variant was observed in the ICSL laboratory as part of a predisposition screen in an ostensibly healthy population. It had not been previously curated by ICSL or reported in the Human Gene Mutation Database (HGMD: prior to June 1st, 2018), and was therefore a candidate for classification through an automated scoring system. Utilizing variant allele frequency, disease prevalence and penetrance estimates, and inheritance mode, an automated score was calculated to assess if this variant is too frequent to cause the disease. Based on the score and internal cut-off values, a variant classified as benign is not then subjected to further curation. The score for this variant resulted in a classification of benign for this disease.

NM_001089.3(ABCA3):c.-254C>T

Gene: ABCA3 (ATP binding cassette subfamily A member 3; minus strand). Cytogenetic location: 16p13.3.
Variant type: single nucleotide variant.
Coding change: c.-254C>T on transcript NM_001089.3 (MANE Select); 254 bases upstream of the start codon, C replaced by T.
Molecular consequence: 5 prime UTR variant.
Genome position (GRCh38, 1-based): chr16:2,328,680, G>A on the plus strand (C>T on the coding strand, the complement: ABCA3 is on the minus strand). VCF-style: chr16-2328680-G-A. GRCh37 (hg19) VCF-style: chr16-2378681-G-A.
Identifiers: ClinVar variation 318589 (VCV000318589.5), dbSNP rs45442195, ClinGen allele CA10647188.